The following is an entry in ClinVar:

ClinVar aggregate classification (germline): Pathogenic (1 of 4 stars; one submission).

Conditions:
Familial cancer of breast. Also called: Hereditary breast cancer; BREAST CANCER, FAMILIAL; hereditary breast carcinoma. Identifiers: Orphanet 227535, MedGen C0346153, MONDO:0016419, OMIM 114480. Disease mechanism: loss of function.

Submission:

Myriad Genetics, Inc.
Classification: Pathogenic for Familial cancer of breast. Last evaluated: 2023-06-05. Review status: criteria provided, single submitter. Criteria: Myriad Autosomal Dominant, Autosomal Recessive and X-Linked Classification Criteria (2023). Collection method: clinical testing. Allele origin: unknown.
Comment: This variant is considered pathogenic. This variant creates a termination codon and is predicted to result in premature protein truncation.

NM_032043.3(BRIP1):c.1911dup (p.Asn638Ter)

Gene: BRIP1 (BRCA1 interacting DNA helicase 1; minus strand). Cytogenetic location: 17q23.2.
Variant type: Duplication.
Coding change: c.1911dup on transcript NM_032043.3 (MANE Select); coding-DNA position 1911, one base duplicated (T; older notation c.1911dupT).
Protein change: p.Asn638Ter; replaces asparagine 638 with a stop codon.
Molecular consequence: nonsense.
Genome position (GRCh38, 1-based): chr17:61,780,285, A duplicated on the plus strand (T on the coding strand, the reverse complement: BRIP1 is on the minus strand). VCF-style (leftmost placement, unchanged base first): chr17-61780284-T-TA. GRCh37 (hg19) VCF-style: chr17-59857645-T-TA.
Other names: short protein forms N638*.
Identifiers: ClinVar variation 2583719 (VCV002583719.2), dbSNP rs2545017859, ClinGen allele CA2582342271.